The following is an entry in ClinVar:

NM_015932.6(POMP):c.44del (p.Pro15fs)

Gene: POMP (proteasome maturation protein; plus strand). Cytogenetic location: 13q12.3.
Variant type: Deletion.
Coding change: c.44del on transcript NM_015932.6 (MANE Select); coding-DNA position 44, one base deleted (C; older notation c.44delC).
Protein change: p.Pro15fs; shifts the reading frame from proline 15.
Molecular consequence: frameshift variant.
Genome position (GRCh38, 1-based): chr13:28,662,450, C deleted; the last of 2 consecutive C bases (chr13:28,662,449-28,662,450); deleting either gives the same sequence. VCF-style (leftmost placement, unchanged base first): chr13-28662448-TC-T. GRCh37 (hg19) VCF-style: chr13-29236585-TC-T.
Other names: short protein forms P15fs.
Identifiers: ClinVar variation 4883911 (VCV004883911.2).

ClinVar aggregate classification (germline): Uncertain significance (1 of 4 stars; one submission).

Submission:

Dasa
Classification: Uncertain significance. Last evaluated: 2026-02-25. Review status: criteria provided, single submitter. Criteria: DASA Assertion Criteria. Collection method: clinical testing. Allele origin: germline.
Comment: NM_015932.6(POMP):c.44del (p.Pro15Glnfs*24) is a frameshift variant in POMP predicted to alter the reading frame and introduce a premature termination codon. This variant is absent from population databases. The currently available literature and clinical evidence are not sufficient to establish a definitive association between this variant and the reported condition. Therefore, this variant is classified as a variant of uncertain significance.